The following is an entry in ClinVar:

NM_002249.6(KCNN3):c.470A>C (p.Gln157Pro)

Gene: KCNN3 (potassium calcium-activated channel subfamily N member 3; minus strand). Cytogenetic location: 1q21.3.
Variant type: single nucleotide variant.
Coding change: c.470A>C on transcript NM_002249.6 (MANE Select); coding-DNA position 470, A replaced by C.
Protein change: p.Gln157Pro; replaces glutamine 157 with proline.
Molecular consequence: missense variant.
Genome position (GRCh38, 1-based): chr1:154,869,495, T>G on the plus strand (A>C on the coding strand, the complement: KCNN3 is on the minus strand). VCF-style: chr1-154869495-T-G. GRCh37 (hg19) VCF-style: chr1-154841971-T-G.
Other names: c.470A>C, p.Gln157Pro (NM_001204087.2); short protein forms Q157P.
Identifiers: ClinVar variation 2637819 (VCV002637819.1), dbSNP rs1653087089, ClinGen allele CA342633336.
Genomic context (GRCh38, chr1:154,869,495, plus strand): 5'-GAGCTCATGGCGATCTCCGTGAAGGGGTTGCTGTCCCGCCGGTGCACCAGGGGGCTGGCC[T>G]GTCGGTGCCGGCTGCCTCCGCCAGGCCCACTTGTAGCTGTGGAACTTGGAGAGTGGCCAA-3'
Protein context (NP_002240.3, residues 147-167): SGPGGGSRHR[Gln157Pro]ASPLVHRRDS

ClinVar aggregate classification (germline): Uncertain significance (1 of 4 stars; one submission).

Allele frequency attached by ClinVar (database versions not stated): TOPMed below 0.00001; gnomAD 0.00002.
gnomAD v4.1: 3 of 1,613,918 alleles (0.00019%); highest among the groups gnomAD compares: African/African-American, 0.004%; no homozygotes.

Submission:

Women's Health and Genetics/Laboratory Corporation of America, LabCorp
Classification: Uncertain significance. Last evaluated: 2023-10-19. Review status: criteria provided, single submitter. Criteria: LabCorp Variant Classification Summary - May 2015. Collection method: clinical testing. Allele origin: germline.
Comment: Variant summary: KCNN3 c.470A>C (p.Gln157Pro) results in a non-conservative amino acid change in the encoded protein sequence. Three of four in-silico tools predict a damaging effect of the variant on protein function. The variant was absent in 250206 control chromosomes. The available data on variant occurrences in the general population are insufficient to allow any conclusion about variant significance. To our knowledge, no occurrence of c.470A>C in individuals affected with Zimmermann-Laband Syndrome 3 and no experimental evidence demonstrating its impact on protein function have been reported. No submitters have cited clinical-significance assessments for this variant to ClinVar after 2014. Based on the evidence outlined above, the variant was classified as uncertain significance.